The following is an entry in ClinVar:

NM_002905.5(RDH5):c.697A>G (p.Thr233Ala)

Genes: BLOC1S1-RDH5 (BLOC1S1-RDH5 readthrough; plus strand), CD63 (CD63 molecule; minus strand), RDH5 (retinol dehydrogenase 5; plus strand). Cytogenetic location: 12q13.2.
Variant type: single nucleotide variant.
Coding change: c.697A>G on transcript NM_002905.5 (MANE Select); coding-DNA position 697, A replaced by G.
Protein change: p.Thr233Ala; replaces threonine 233 with alanine.
Molecular consequence: missense variant. On other transcripts: non-coding transcript variant (1), 3 prime UTR variant (2).
Genome position (GRCh38, 1-based): chr12:55,724,013, A>G. VCF-style: chr12-55724013-A-G. GRCh37 (hg19) VCF-style: chr12-56117797-A-G.
Other names: c.697A>G, p.Thr233Ala (NM_001199771.3); c.*1051T>C (NM_001413284.1); c.*1066T>C (NM_001413285.1); short protein forms T233A.
Identifiers: ClinVar variation 2047274 (VCV002047274.4), dbSNP rs2540175172, ClinGen allele CA385202311.
Genomic context (GRCh38, chr12:55,724,013, plus strand): 5'-ACCAACCTGGAGAGTCTGGAGAAAACCCTGCAGGCCTGCTGGGCACGGCTGCCTCCTGCC[A>G]CACAGGCCCACTATGGGGGGGCCTTCCTCACCAAGTGTGAGTAGCCAGGCCCACACAGGG-3'
Protein context (NP_002896.2, residues 223-243): QACWARLPPA[Thr233Ala]QAHYGGAFLT

ClinVar aggregate classification (germline): Uncertain significance (1 of 4 stars; one submission).

Allele frequency attached by ClinVar (database versions not stated): gnomAD exomes below 0.00001.
gnomAD v4.1: 1 of 1,612,890 alleles (0.000062%); highest among the groups gnomAD compares: Non-Finnish European, 0.000085%; no homozygotes.

Submission:

Labcorp Genetics (formerly Invitae), Labcorp
Classification: Uncertain significance. Last evaluated: 2021-12-18. Review status: criteria provided, single submitter. Criteria: Invitae Variant Classification Sherloc (09022015). Collection method: clinical testing. Allele origin: germline.
Comment: Algorithms developed to predict the effect of missense changes on protein structure and function (SIFT, PolyPhen-2, Align-GVGD) all suggest that this variant is likely to be tolerated. In summary, the available evidence is currently insufficient to determine the role of this variant in disease. Therefore, it has been classified as a Variant of Uncertain Significance. This variant has not been reported in the literature in individuals affected with RDH5-related conditions. This variant is not present in population databases (gnomAD no frequency). This sequence change replaces threonine, which is neutral and polar, with alanine, which is neutral and non-polar, at codon 233 of the RDH5 protein (p.Thr233Ala).